The following is an entry in ClinVar:

ClinVar aggregate classification (germline): Uncertain significance. Review status: criteria provided, multiple submitters, no conflicts (2 of 4 stars). 2 submissions from 2 submitters: Uncertain significance (2). Last evaluated 2024-03-14.

Conditions:
Nemaline myopathy 9 (NEM9). Identifiers: MedGen C3810384, MONDO:0014326, OMIM 615731.

Submissions (2):

Genomic Medicine Center of Excellence, King Faisal Specialist Hospital and Research Centre
Classification: Uncertain significance for Nemaline myopathy 9. Last evaluated: 2024-03-14. Review status: criteria provided, single submitter. Criteria: ACMG Guidelines, 2015. Collection method: clinical testing. Allele origin: germline.

Baylor Genetics
Classification: Uncertain significance for Nemaline myopathy 9. Last evaluated: 2020-05-05. Review status: criteria provided, single submitter. Criteria: ACMG Guidelines, 2015. Collection method: clinical testing. Allele origin: unknown. Affected: yes.
Comment: This variant was determined to be of uncertain significance according to ACMG Guidelines, 2015 [PMID:25741868].

NM_006063.3(KLHL41):c.176G>C (p.Arg59Pro)

Gene: KLHL41 (kelch like family member 41; plus strand). Cytogenetic location: 2q31.1.
Variant type: single nucleotide variant.
Coding change: c.176G>C on transcript NM_006063.3 (MANE Select); coding-DNA position 176, G replaced by C.
Protein change: p.Arg59Pro; replaces arginine 59 with proline.
Molecular consequence: missense variant.
Genome position (GRCh38, 1-based): chr2:169,509,954, G>C. VCF-style: chr2-169509954-G-C. GRCh37 (hg19) VCF-style: chr2-170366464-G-C.
Other names: short protein forms R59P.
Identifiers: ClinVar variation 1030070 (VCV001030070.2), dbSNP rs759521852, ClinGen allele CA349173329.